The following is an entry in ClinVar:

NM_000183.3(HADHB):c.1343A>G (p.Glu448Gly)

Gene: HADHB (hydroxyacyl-CoA dehydrogenase trifunctional multienzyme complex subunit beta; plus strand). Cytogenetic location: 2p23.3.
Variant type: single nucleotide variant.
Coding change: c.1343A>G on transcript NM_000183.3 (MANE Select); coding-DNA position 1343, A replaced by G.
Protein change: p.Glu448Gly; replaces glutamic acid 448 with glycine.
Molecular consequence: missense variant.
Genome position (GRCh38, 1-based): chr2:26,285,525, A>G. VCF-style: chr2-26285525-A-G. GRCh37 (hg19) VCF-style: chr2-26508393-A-G.
Other names: c.1298A>G, p.Glu433Gly (NM_001281512.2); c.1277A>G, p.Glu426Gly (NM_001281513.2); short protein forms E448G, E426G, E433G.
Identifiers: ClinVar variation 894831 (VCV000894831.7), dbSNP rs971767907, ClinGen allele CA44342947.

ClinVar aggregate classification (germline): Uncertain significance. Review status: criteria provided, multiple submitters, no conflicts (2 of 4 stars). 2 submissions from 2 submitters: Uncertain significance (2). Last evaluated 2025-03-07.

Conditions:
Mitochondrial trifunctional protein deficiency. Identifiers: Orphanet 746, MedGen C1969443, MONDO:0012172.

Allele frequency attached by ClinVar (database versions not stated): gnomAD 0.00001 and 0.00002; gnomAD exomes 0.00001 and 0.00002; TOPMed 0.00002.

Submissions (2):

Labcorp Genetics (formerly Invitae), Labcorp
Classification: Uncertain significance for Mitochondrial trifunctional protein deficiency. Last evaluated: 2025-03-07. Review status: criteria provided, single submitter. Criteria: Invitae Variant Classification Sherloc (09022015). Collection method: clinical testing. Allele origin: germline.
Comment: This sequence change replaces glutamic acid, which is acidic and polar, with glycine, which is neutral and non-polar, at codon 448 of the HADHB protein (p.Glu448Gly). This variant is present in population databases (no rsID available, gnomAD 0.009%). This variant has not been reported in the literature in individuals affected with HADHB-related conditions. ClinVar contains an entry for this variant (Variation ID: 894831). Invitae Evidence Modeling of protein sequence and biophysical properties (such as structural, functional, and spatial information, amino acid conservation, physicochemical variation, residue mobility, and thermodynamic stability) indicates that this missense variant is not expected to disrupt HADHB protein function with a negative predictive value of 80%. In summary, the available evidence is currently insufficient to determine the role of this variant in disease. Therefore, it has been classified as a Variant of Uncertain Significance.

Illumina Laboratory Services, Illumina
Classification: Uncertain significance for Mitochondrial trifunctional protein deficiency 1. Last evaluated: 2018-01-13. Review status: criteria provided, single submitter. Criteria: ICSL Variant Classification Criteria 13 December 2019. Collection method: clinical testing. Allele origin: germline.